The following is an entry in ClinVar:

NM_144697.4(CIART):c.35C>A (p.Ser12Tyr)

Gene: CIART (circadian associated repressor of transcription; plus strand). Cytogenetic location: 1q21.2.
Variant type: single nucleotide variant.
Coding change: c.35C>A on transcript NM_144697.4 (MANE Select); coding-DNA position 35, C replaced by A.
Protein change: p.Ser12Tyr; replaces serine 12 with tyrosine.
Molecular consequence: missense variant. On other transcripts: intron variant (3).
Genome position (GRCh38, 1-based): chr1:150,283,302, C>A. VCF-style: chr1-150283302-C-A. GRCh37 (hg19) VCF-style: chr1-150255712-C-A.
Other names: c.35C>A, p.Ser12Tyr (NM_001300838.2); c.-70-160C>A (NM_001300841.2, NM_001300839.2); c.-18-212C>A (NM_001300840.2); short protein forms S12Y.
Identifiers: ClinVar variation 2589014 (VCV002589014.3), dbSNP rs201913309, ClinGen allele CA1074968.

ClinVar aggregate classification (germline): Uncertain significance (1 of 4 stars; one submission).

Allele frequency attached by ClinVar (database versions not stated): gnomAD 0.00007; ESP Exome Variant Server 0.00008; TOPMed 0.00008; ExAC 0.00015; gnomAD exomes 0.00020.
gnomAD v4.1: 285 of 1,532,858 alleles (0.019%); highest among the groups gnomAD compares: Non-Finnish European, 0.024%; no homozygotes.

Submission:

Ambry Genetics
Classification: Uncertain significance. Last evaluated: 2026-02-02. Review status: criteria provided, single submitter. Criteria: Ambry Variant Classification Scheme 2023. Collection method: clinical testing. Allele origin: germline.
Comment: The c.35C>A (p.S12Y) alteration is located in exon 1 (coding exon 1) of the CIART gene. This alteration results from a C to A substitution at nucleotide position 35, causing the serine (S) at amino acid position 12 to be replaced by a tyrosine (Y). Based on data from gnomAD, the A allele has an overall frequency of 0.012% (27/217896) total alleles studied. The highest observed frequency was 0.024% (25/104798) of European (non-Finnish) alleles. Based on insufficient or conflicting evidence, the clinical significance of this alteration remains unclear.